The following is an entry in ClinVar:

NM_003283.6(TNNT1):c.793C>T (p.Arg265Trp)

Gene: TNNT1 (troponin T1, slow skeletal type; minus strand). Cytogenetic location: 19q13.42.
Variant type: single nucleotide variant.
Coding change: c.793C>T on transcript NM_003283.6 (MANE Select); coding-DNA position 793, C replaced by T.
Protein change: p.Arg265Trp; replaces arginine 265 with tryptophan.
Molecular consequence: missense variant.
Genome position (GRCh38, 1-based): chr19:55,132,959, G>A on the plus strand (C>T on the coding strand, the complement: TNNT1 is on the minus strand). VCF-style: chr19-55132959-G-A. GRCh37 (hg19) VCF-style: chr19-55644327-G-A.
Other names: c.745C>T, p.Arg249Trp (NM_001126132.3); c.712C>T, p.Arg238Trp (NM_001126133.3, NM_001291774.2); short protein forms R238W, R249W, R265W.
Identifiers: ClinVar variation 1503800 (VCV001503800.6), dbSNP rs765317516, ClinGen allele CA9667218.

ClinVar aggregate classification (germline): Uncertain significance (1 of 4 stars; one submission).

Conditions:
Nemaline myopathy 5 (NEM5A). Also called: NEMALINE MYOPATHY 5A, AUTOSOMAL RECESSIVE, SEVERE INFANTILE; Nemaline myopathy 5, Amish type; NEMALINE MYOPATHY, AMISH TYPE. Identifiers: Orphanet 98902, MedGen C1854380, MONDO:0011539, OMIM 605355.

Allele frequency attached by ClinVar (database versions not stated): ExAC 0.00001; gnomAD 0.00002; gnomAD exomes 0.00002; TOPMed 0.00002.
gnomAD v4.1: 21 of 1,600,734 alleles (0.0013%); highest among the groups gnomAD compares: African/African-American, 0.004%; no homozygotes.

Submission:

Labcorp Genetics (formerly Invitae), Labcorp
Classification: Uncertain significance for Nemaline myopathy 5. Last evaluated: 2025-11-17. Review status: criteria provided, single submitter. Criteria: Invitae Variant Classification Sherloc (09022015). Collection method: clinical testing. Allele origin: germline.
Comment: This sequence change replaces arginine, which is basic and polar, with tryptophan, which is neutral and slightly polar, at codon 265 of the TNNT1 protein (p.Arg265Trp). The frequency data for this variant in the population databases is considered unreliable, as metrics indicate poor data quality at this position in the gnomAD database. This variant has not been reported in the literature in individuals affected with TNNT1-related conditions. ClinVar contains an entry for this variant (Variation ID: 1503800). An algorithm developed to predict the effect of missense changes on protein structure and function (PolyPhen-2) suggests that this variant is likely to be disruptive. In summary, the available evidence is currently insufficient to determine the role of this variant in disease. Therefore, it has been classified as a Variant of Uncertain Significance.